The following is an entry in ClinVar:

ClinVar aggregate classification (germline): Likely pathogenic (1 of 4 stars; one submission).

Conditions:
KMT2C-related disorder. Also called: KMT2C-related condition; KMT2C-related disorders.

Submission:

PreventionGenetics, part of Exact Sciences
Classification: Likely pathogenic for KMT2C-related condition. Last evaluated: 2025-07-15. Review status: criteria provided, single submitter. Criteria: ACMG Guidelines, 2015. Collection method: clinical testing. Allele origin: germline.
Comment: The KMT2C c.6640delA variant is predicted to result in a frameshift and premature protein termination (p.Ile2214Phefs*25). To our knowledge, this variant has not been reported in the literature or in a large population database (gnomAD), indicating this variant is rare. Frameshift variants in KMT2C are expected to be pathogenic. This variant is interpreted as likely pathogenic.

NM_170606.3(KMT2C):c.6640del (p.Ile2214fs)

Gene: KMT2C (lysine methyltransferase 2C; minus strand). Cytogenetic location: 7q36.1.
Variant type: Deletion.
Coding change: c.6640del on transcript NM_170606.3 (MANE Select); coding-DNA position 6640, one base deleted (A; older notation c.6640delA).
Protein change: p.Ile2214fs; shifts the reading frame from isoleucine 2214.
Molecular consequence: frameshift variant.
Genome position (GRCh38, 1-based): chr7:152,181,220, T deleted on the plus strand (A on the coding strand, the reverse complement: KMT2C is on the minus strand); the first of 2 consecutive T bases (chr7:152,181,220-152,181,221); deleting either gives the same sequence. VCF-style (leftmost placement, unchanged base first): chr7-152181219-AT-A. GRCh37 (hg19) VCF-style: chr7-151878304-AT-A.
Other names: short protein forms I2214fs.
Identifiers: ClinVar variation 5001122 (VCV005001122.1).